The following is an entry in ClinVar:

ClinVar aggregate classification (germline): Conflicting classifications of pathogenicity. Review status: criteria provided, conflicting classifications (1 of 4 stars). 4 submissions from 4 submitters: Uncertain significance (3); Likely benign (1). Last evaluated 2025-10-29.

Conditions:
Cardiovascular phenotype. Identifiers: MedGen CN230736.
Cardiomyopathy (CMYO). Also called: Cardiomyopathies. Identifiers: Orphanet 167848, MedGen C0878544, MONDO:0004994, HP:0001638. Inheritance: Various modes of inheritance.
Arrhythmogenic right ventricular dysplasia 5. Also called: ARRHYTHMOGENIC RIGHT VENTRICULAR DYSPLASIA, FAMILIAL, 5; Arrhythmogenic Right Ventricular Dysplasia/Cardiomyopathy 5. Identifiers: MedGen C1858379, MONDO:0011459, OMIM 604400.

Allele frequency attached by ClinVar (database versions not stated): TOPMed 0.00003; ExAC 0.00002; gnomAD 0.00002.
gnomAD v4.1: 8 of 1,614,070 alleles (0.0005%); highest among the groups gnomAD compares: African/African-American, 0.0093%; no homozygotes.

Submissions (4):

Labcorp Genetics (formerly Invitae), Labcorp
Classification: Uncertain significance for Arrhythmogenic right ventricular dysplasia 5. Last evaluated: 2025-10-29. Review status: criteria provided, single submitter. Criteria: Invitae Variant Classification Sherloc (09022015). Collection method: clinical testing. Allele origin: germline.
Comment: This sequence change replaces methionine, which is neutral and non-polar, with threonine, which is neutral and polar, at codon 319 of the TMEM43 protein (p.Met319Thr). This variant is present in population databases (rs775113815, gnomAD 0.02%). This variant has not been reported in the literature in individuals affected with TMEM43-related conditions. ClinVar contains an entry for this variant (Variation ID: 1057804). Invitae Evidence Modeling of protein sequence and biophysical properties (such as structural, functional, and spatial information, amino acid conservation, physicochemical variation, residue mobility, and thermodynamic stability) has been performed for this missense variant. However, the output from this modeling did not meet the statistical confidence thresholds required to predict the impact of this variant on TMEM43 protein function. In summary, the available evidence is currently insufficient to determine the role of this variant in disease. Therefore, it has been classified as a Variant of Uncertain Significance.

Color Diagnostics, LLC DBA Color Health
Classification: Uncertain significance for Cardiomyopathy. Last evaluated: 2025-07-22. Review status: criteria provided, single submitter. Criteria: ACMG Guidelines, 2015. Collection method: clinical testing. Allele origin: germline.
Comment: This missense variant replaces methionine with threonine at codon 319 of the TMEM43 protein. Computational prediction is inconclusive regarding the impact of this variant on protein structure and function. To our knowledge, functional studies have not been reported for this variant. This variant has been reported in an individual suspected to be affected with cardiomyopathy or arrhythmia (PMID: 35947370). This variant has been identified in 3/251452 chromosomes in the general population by the Genome Aggregation Database (gnomAD). The available evidence is insufficient to determine the role of this variant in disease conclusively. Therefore, this variant is classified as a Variant of Uncertain Significance.

All of Us Research Program, National Institutes of Health
Classification: Uncertain significance for Arrhythmogenic right ventricular dysplasia 5. Last evaluated: 2023-08-28. Review status: criteria provided, single submitter. Criteria: ACMG Guidelines, 2015. Collection method: clinical testing. Allele origin: germline. Inheritance: Autosomal dominant inheritance. Observed: 1 variant allele, 1 heterozygote.
Comment: This missense variant replaces methionine with threonine at codon 319 of the TMEM43 protein. Computational prediction is inconclusive regarding the impact of this variant on protein structure and function (internally defined REVEL score threshold 0.5 < inconclusive < 0.7, PMID: 27666373). To our knowledge, functional studies have not been reported for this variant. This variant has not been reported in individuals affected with TMEM43-related disorders in the literature. This variant has been identified in 3/251452 chromosomes in the general population by the Genome Aggregation Database (gnomAD). The available evidence is insufficient to determine the role of this variant in disease conclusively. Therefore, this variant is classified as a Variant of Uncertain Significance.

This study involves interpretation of variants in research participants for the purpose of population health screening. Participant phenotype was not available at the time of variant classification. Additional details can be found in publication PMID: 35346344, PMCID: PMC8962531

Ambry Genetics
Classification: Likely benign for Cardiovascular phenotype. Last evaluated: 2023-01-20. Review status: criteria provided, single submitter. Criteria: Ambry Variant Classification Scheme 2023. Collection method: clinical testing. Allele origin: germline.

Literature cited by the submitters: PubMed 35947370 (cited by Color Diagnostics, LLC DBA Color Health).

NM_024334.3(TMEM43):c.956T>C (p.Met319Thr)

Gene: TMEM43 (transmembrane protein 43; plus strand). Cytogenetic location: 3p25.1.
Variant type: single nucleotide variant.
Coding change: c.956T>C on transcript NM_024334.3 (MANE Select); coding-DNA position 956, T replaced by C.
Protein change: p.Met319Thr; replaces methionine 319 with threonine.
Molecular consequence: missense variant.
Genome position (GRCh38, 1-based): chr3:14,139,253, T>C. VCF-style: chr3-14139253-T-C. GRCh37 (hg19) VCF-style: chr3-14180753-T-C.
Other names: c.956T>C (NM_024334.2); short protein forms M319T.
Identifiers: ClinVar variation 1057804 (VCV001057804.13), dbSNP rs775113815, ClinGen allele CA056306.